The following is an entry in ClinVar:

NM_012243.3(SLC35A3):c.481C>T (p.Gln161Ter)

Gene: SLC35A3 (solute carrier family 35 member A3; plus strand). Cytogenetic location: 1p21.2.
Variant type: single nucleotide variant.
Coding change: c.481C>T on transcript NM_012243.3 (MANE Select); coding-DNA position 481, C replaced by T.
Protein change: p.Gln161Ter; replaces glutamine 161 with a stop codon.
Molecular consequence: nonsense.
Genome position (GRCh38, 1-based): chr1:100,011,380, C>T. VCF-style: chr1-100011380-C-T. GRCh37 (hg19) VCF-style: chr1-100476936-C-T.
Other names: c.481C>T, p.Gln161Ter (NM_001271684.2); c.607C>T, p.Gln203Ter (NM_001271685.2); short protein forms Q161*, Q203*.
Identifiers: ClinVar variation 541609 (VCV000541609.11), dbSNP rs1553203137, ClinGen allele CA341314931.

ClinVar aggregate classification (germline): Conflicting classifications of pathogenicity. Review status: criteria provided, conflicting classifications (1 of 4 stars). 3 submissions from 3 submitters: Pathogenic (1); Likely pathogenic (1); Uncertain significance (1). Last evaluated 2024-05-28.

Conditions:
Autism spectrum disorder - epilepsy - arthrogryposis syndrome (AMRS). Identifiers: Orphanet 370943, MedGen C3809910, MONDO:0014248, OMIM 615553.

Allele frequency attached by ClinVar (database versions not stated): TOPMed below 0.00001.
gnomAD v4.1: 3 of 1,526,992 alleles (0.0002%); highest among the groups gnomAD compares: Non-Finnish European, 0.00027%; no homozygotes.

Submissions (3):

Fulgent Genetics
Classification: Likely pathogenic for Autism spectrum disorder - epilepsy - arthrogryposis syndrome. Last evaluated: 2024-05-28. Review status: criteria provided, single submitter. Criteria: ACMG Guidelines, 2015. Collection method: clinical testing. Allele origin: germline.

Labcorp Genetics (formerly Invitae), Labcorp
Classification: Pathogenic for Autism spectrum disorder - epilepsy - arthrogryposis syndrome. Last evaluated: 2023-08-25. Review status: criteria provided, single submitter. Criteria: Invitae Variant Classification Sherloc (09022015). Collection method: clinical testing. Allele origin: germline.
Comment: This variant has not been reported in the literature in individuals affected with SLC35A3-related conditions. This variant is not present in population databases (gnomAD no frequency). This sequence change creates a premature translational stop signal (p.Gln161*) in the SLC35A3 gene. It is expected to result in an absent or disrupted protein product. Loss-of-function variants in SLC35A3 are known to be pathogenic (PMID: 24031089, 28328131). ClinVar contains an entry for this variant (Variation ID: 541609). For these reasons, this variant has been classified as Pathogenic. Algorithms developed to predict the effect of sequence changes on RNA splicing suggest that this variant may disrupt the consensus splice site.

Eurofins Ntd Llc (ga)
Classification: Uncertain significance. Last evaluated: 2018-02-13. Review status: criteria provided, single submitter. Criteria: EGL ClinVar v180209 classification definitions. Collection method: clinical testing. Allele origin: germline. Observed: 1 variant allele, 1 heterozygote.

Literature cited by the submitters: PubMed 24031089 (cited by Labcorp Genetics (formerly Invitae), Labcorp); PubMed 28328131 (cited by Labcorp Genetics (formerly Invitae), Labcorp).